The following is an entry in ClinVar:

ClinVar aggregate classification (germline): Likely benign (0 of 4 stars; one submission).

Conditions:
SCNN1B-related disorder. Also called: SCNN1B-related condition.

Allele frequency attached by ClinVar (database versions not stated): gnomAD exomes 0.00001; ExAC 0.00003; gnomAD 0.00007; ESP Exome Variant Server 0.00008; TOPMed 0.00009.
gnomAD v4.1: 27 of 1,613,160 alleles (0.0017%); highest among the groups gnomAD compares: African/African-American, 0.021%; no homozygotes.

Submission:

PreventionGenetics, part of Exact Sciences
Classification: Likely benign for SCNN1B-related condition. Last evaluated: 2019-09-19. Review status: no assertion criteria provided. Collection method: clinical testing. Allele origin: germline.
Comment: This variant is classified as likely benign based on ACMG/AMP sequence variant interpretation guidelines (Richards et al. 2015 PMID: 25741868, with internal and published modifications).

NM_000336.3(SCNN1B):c.1044+8C>T

Gene: SCNN1B (sodium channel epithelial 1 subunit beta; plus strand). Cytogenetic location: 16p12.2.
Variant type: single nucleotide variant.
Coding change: c.1044+8C>T on transcript NM_000336.3 (MANE Select); 8 bases into the intron after coding-DNA position 1044, C replaced by T.
Molecular consequence: intron variant.
Genome position (GRCh38, 1-based): chr16:23,371,470, C>T. VCF-style: chr16-23371470-C-T. GRCh37 (hg19) VCF-style: chr16-23382791-C-T.
Other names: c.1044+8C>T (NM_001410900.1).
Identifiers: ClinVar variation 3041107 (VCV003041107.2), dbSNP rs374962526, ClinGen allele CA7960334.
Genomic context (GRCh38, chr16:23,371,470, plus strand): 5'-ATGAGGGCATCTACGCCATGTCGGGGACAGAGACGTCCATCGGGGTACTCGTGGTATGGC[C>T]GGAGCCCAAGGGCAGTCCTAGAGGGTCTGAGGGTGGGAGCCCACCTGTCCAGGGCCAACT-3'